The following is an entry in ClinVar:

NM_006031.6(PCNT):c.7255G>A (p.Glu2419Lys)

Gene: PCNT (pericentrin; plus strand). Cytogenetic location: 21q22.3.
Variant type: single nucleotide variant.
Coding change: c.7255G>A on transcript NM_006031.6 (MANE Select); coding-DNA position 7255, G replaced by A.
Protein change: p.Glu2419Lys; replaces glutamic acid 2419 with lysine.
Molecular consequence: missense variant.
Genome position (GRCh38, 1-based): chr21:46,425,906, G>A. VCF-style: chr21-46425906-G-A. GRCh37 (hg19) VCF-style: chr21-47845820-G-A.
Other names: c.6901G>A, p.Glu2301Lys (NM_001315529.2); c.7255G>A (NM_006031.5); short protein forms E2419K, E2301K.
Identifiers: ClinVar variation 1477589 (VCV001477589.5), dbSNP rs750214590, ClinGen allele CA10080588.

ClinVar aggregate classification (germline): Uncertain significance. Review status: criteria provided, multiple submitters, no conflicts (2 of 4 stars). 2 submissions from 2 submitters: Uncertain significance (2). Last evaluated 2025-05-12.

Conditions:
PCNT-related disorder. Also called: PCNT-related condition.

Allele frequency attached by ClinVar (database versions not stated): gnomAD 0.00001 and 0.00002; TOPMed 0.00001; ExAC 0.00003; gnomAD exomes 0.00003 and 0.00004.
gnomAD v4.1: 64 of 1,613,836 alleles (0.004%); highest among the groups gnomAD compares: East Asian, 0.12%; no homozygotes.

Submissions (2):

PreventionGenetics, part of Exact Sciences
Classification: Uncertain significance for PCNT-related condition. Last evaluated: 2025-05-12. Review status: criteria provided, single submitter. Criteria: ACMG Guidelines, 2015. Collection method: clinical testing. Allele origin: germline.
Comment: The PCNT c.7255G>A variant is predicted to result in the amino acid substitution p.Glu2419Lys. To our knowledge, this variant has not been reported in the literature. This variant is reported in 0.027% of alleles in individuals of East Asian descent in gnomAD. At this time, the clinical significance of this variant is uncertain due to the absence of conclusive functional and genetic evidence.

Labcorp Genetics (formerly Invitae), Labcorp
Classification: Uncertain significance. Last evaluated: 2021-11-02. Review status: criteria provided, single submitter. Criteria: Invitae Variant Classification Sherloc (09022015). Collection method: clinical testing. Allele origin: germline.
Comment: This sequence change replaces glutamic acid, which is acidic and polar, with lysine, which is basic and polar, at codon 2419 of the PCNT protein (p.Glu2419Lys). This variant is present in population databases (rs750214590, gnomAD 0.03%). This variant has not been reported in the literature in individuals affected with PCNT-related conditions. Algorithms developed to predict the effect of missense changes on protein structure and function are either unavailable or do not agree on the potential impact of this missense change (SIFT: "Tolerated"; PolyPhen-2: "Possibly Damaging"; Align-GVGD: "Class C0"). In summary, the available evidence is currently insufficient to determine the role of this variant in disease. Therefore, it has been classified as a Variant of Uncertain Significance.